The following is an entry in ClinVar:

NM_002838.5(PTPRC):c.2778T>A (p.His926Gln)

Gene: PTPRC (protein tyrosine phosphatase receptor type C; plus strand). Cytogenetic location: 1q32.1.
Variant type: single nucleotide variant.
Coding change: c.2778T>A on transcript NM_002838.5 (MANE Select); coding-DNA position 2778, T replaced by A.
Protein change: p.His926Gln; replaces histidine 926 with glutamine.
Molecular consequence: missense variant.
Genome position (GRCh38, 1-based): chr1:198,744,134, T>A. VCF-style: chr1-198744134-T-A. GRCh37 (hg19) VCF-style: chr1-198713263-T-A.
Other names: c.2295T>A, p.His765Gln (NM_080921.4); short protein forms H765Q, H926Q.
Identifiers: ClinVar variation 3704046 (VCV003704046.2).

ClinVar aggregate classification (germline): Uncertain significance (1 of 4 stars; one submission).

Conditions:
Immunodeficiency 104. Also called: IMMUNODEFICIENCY 104, SEVERE COMBINED; Severe Combined Immune Deficiency, Autosomal Recessive, TCell -Negative, B Cell-Positive, NK Cell-Positive, IL7R-Related; Severe combined immunodeficiency, autosomal recessive, T cell-negative, B cell-positive, NK cell-positive; SCID, AUTOSOMAL RECESSIVE, T CELL-NEGATIVE, B CELL-POSITIVE, NK CELL-POSITIVE. Identifiers: MedGen C5676890, MONDO:0012163, OMIM 608971.

gnomAD v4.1: 35 of 1,605,298 alleles (0.0022%); highest among the groups gnomAD compares: African/African-American, 0.039%; no homozygotes.

Submission:

Labcorp Genetics (formerly Invitae), Labcorp
Classification: Uncertain significance for Immunodeficiency 104. Last evaluated: 2024-03-12. Review status: criteria provided, single submitter. Criteria: Invitae Variant Classification Sherloc (09022015). Collection method: clinical testing. Allele origin: germline.
Comment: This sequence change replaces histidine, which is basic and polar, with glutamine, which is neutral and polar, at codon 926 of the PTPRC protein (p.His926Gln). This variant is present in population databases (rs373417813, gnomAD 0.04%). This variant has not been reported in the literature in individuals affected with PTPRC-related conditions. An algorithm developed to predict the effect of missense changes on protein structure and function (PolyPhen-2) suggests that this variant is likely to be disruptive. In summary, the available evidence is currently insufficient to determine the role of this variant in disease. Therefore, it has been classified as a Variant of Uncertain Significance.